The following is an entry in ClinVar:

NM_014669.5(NUP93):c.1882_1899del (p.Leu628_Lys633del)

Gene: NUP93 (nucleoporin 93; plus strand). Cytogenetic location: 16q13.
Variant type: Deletion.
Coding change: c.1882_1899del on transcript NM_014669.5 (MANE Select); coding-DNA positions 1882 to 1899, 18 bases deleted (CTGTATGACCTTGCCAAG).
Protein change: p.Leu628_Lys633del.
Molecular consequence: inframe deletion.
Genome position (GRCh38, 1-based): chr16:56,836,700-56,836,717, CTGTATGACCTTGCCAAG deleted; deleting any 18 consecutive bases within chr16:56,836,697-56,836,717 gives the same sequence; the c. name uses the placement nearest the transcript's 3' end. VCF-style (leftmost placement, unchanged base first): chr16-56836696-AAAGCTGTATGACCTTGCC-A. GRCh37 (hg19) VCF-style: chr16-56870608-AAAGCTGTATGACCTTGCC-A.
Other names: c.1513_1530del, p.Leu505_Lys510del (NM_001242795.2, NM_001242796.2).
Identifiers: ClinVar variation 499268 (VCV000499268.6), dbSNP rs762403631, ClinGen allele CA8068573.

ClinVar aggregate classification (germline): Conflicting classifications of pathogenicity. Review status: criteria provided, conflicting classifications (1 of 4 stars). 2 submissions from 2 submitters: Likely pathogenic (1); Uncertain significance (1). Last evaluated 2017-04-28.

Conditions:
Nephrotic syndrome, type 12 (NPHS12). Identifiers: Orphanet 656, MedGen C4225166, MONDO:0014817, OMIM 616892.

Submissions (2):

Illumina Laboratory Services, Illumina
Classification: Likely pathogenic for Nephrotic syndrome, type 12. Last evaluated: 2017-04-28. Review status: criteria provided, single submitter. Criteria: ICSLVariantClassificationCriteria RUGD 01 April 2020. Collection method: clinical testing. Allele origin: unknown.
Comment: The NUP93 c.1882_1899delCTGTATGACCTTGCCAAG p.(Leu628_Lys633del) variant results in an in-frame deletion. To our knowledge, this variant has not been reported in the peer-reviewed literature. This variant is reported in the Genome Aggregation Database in three alleles at a frequency of 0.000003 in the European (non-Finnish) population (version 4.0.0). Based on the available evidence, the c.1882_1899delCTGTATGACCTTGCCAAG p.(Leu628_Lys633del) variant is classified as likely pathogenic for nephrotic syndrome.

Eurofins Ntd Llc (ga)
Classification: Uncertain significance. Last evaluated: 2016-12-28. Review status: criteria provided, single submitter. Criteria: EGL Classification Definitions 2015. Collection method: clinical testing. Allele origin: germline. Observed: 1 variant allele, 1 heterozygote.